The following is an entry in ClinVar:

ClinVar aggregate classification (germline): Uncertain significance (1 of 4 stars; one submission).

Conditions:
POLD1-related polyposis and colorectal cancer syndrome (CRCS10). Also called: Colorectal cancer, susceptibility to, 10; Colorectal cancer 10; COLORECTAL CANCER, SUSCEPTIBILITY TO, ON CHROMOSOME 19q. Identifiers: Orphanet 220460, MedGen C2675481, MONDO:0012953, OMIM 612591.

gnomAD v4.1: 2 of 1,613,084 alleles (0.00012%); highest among the groups gnomAD compares: Non-Finnish European, 0.00017%; no homozygotes.

Submission:

Labcorp Genetics (formerly Invitae), Labcorp
Classification: Uncertain significance for POLD1-related polyposis and colorectal cancer syndrome. Last evaluated: 2025-04-30. Review status: criteria provided, single submitter. Criteria: Invitae Variant Classification Sherloc (09022015). Collection method: clinical testing. Allele origin: germline.
Comment: This sequence change replaces arginine, which is basic and polar, with leucine, which is neutral and non-polar, at codon 889 of the POLD1 protein (p.Arg889Leu). The frequency data for this variant in the population databases is considered unreliable, as metrics indicate poor data quality at this position in the gnomAD database. This variant has not been reported in the literature in individuals affected with POLD1-related conditions. ClinVar contains an entry for this variant (Variation ID: 1347782). Invitae Evidence Modeling of protein sequence and biophysical properties (such as structural, functional, and spatial information, amino acid conservation, physicochemical variation, residue mobility, and thermodynamic stability) indicates that this missense variant is not expected to disrupt POLD1 protein function with a negative predictive value of 80%. In summary, the available evidence is currently insufficient to determine the role of this variant in disease. Therefore, it has been classified as a Variant of Uncertain Significance.

NM_002691.4(POLD1):c.2666G>T (p.Arg889Leu)

Gene: POLD1 (DNA polymerase delta 1, catalytic subunit; plus strand). Cytogenetic location: 19q13.33.
Variant type: single nucleotide variant.
Coding change: c.2666G>T on transcript NM_002691.4 (MANE Select); coding-DNA position 2666, G replaced by T.
Protein change: p.Arg889Leu; replaces arginine 889 with leucine.
Molecular consequence: missense variant. On other transcripts: non-coding transcript variant (1).
Genome position (GRCh38, 1-based): chr19:50,415,539, G>T. VCF-style: chr19-50415539-G-T. GRCh37 (hg19) VCF-style: chr19-50918796-G-T.
Other names: c.2666G>T, p.Arg889Leu (NM_001256849.1); c.2744G>T, p.Arg915Leu (NM_001308632.1); short protein forms R915L, R889L.
Identifiers: ClinVar variation 1347782 (VCV001347782.6), dbSNP rs748904485, ClinGen allele CA406985585.